The following is an entry in ClinVar:

ClinVar aggregate classification (germline): Uncertain significance. Review status: criteria provided, multiple submitters, no conflicts (2 of 4 stars). 3 submissions from 3 submitters: Uncertain significance (3). Last evaluated 2026-04-02.

Conditions:
Inborn genetic diseases. Identifiers: MedGen C0950123, MeSH D030342.
Neuropathy, hereditary motor and sensory, type 6B (HMSN6B). Also called: HMSN VIB; CHARCOT-MARIE-TOOTH DISEASE, TYPE 6B; Neuropathy, hereditary motor and sensory, type VIB; NEUROPATHY, HEREDITARY MOTOR AND SENSORY, TYPE VIB, WITH OPTIC ATROPHY. Identifiers: MedGen C4225302, MONDO:0014671, OMIM 616505.

Submissions (3):

GeneDx
Classification: Uncertain significance. Last evaluated: 2026-04-02. Review status: criteria provided, single submitter. Criteria: GeneDx Variant Classification Process June 2021. Collection method: clinical testing. Allele origin: germline.
Comment: Not observed at significant frequency in large population cohorts (gnomAD); In silico analysis supports a deleterious effect on splicing; Has not been previously published as pathogenic or benign to our knowledge

Labcorp Genetics (formerly Invitae), Labcorp
Classification: Uncertain significance for Neuropathy, hereditary motor and sensory, type 6B. Last evaluated: 2021-08-12. Review status: criteria provided, single submitter. Criteria: Invitae Variant Classification Sherloc (09022015). Collection method: clinical testing. Allele origin: germline.
Comment: This sequence change falls in intron 4 of the SLC25A46 gene. It does not directly change the encoded amino acid sequence of the SLC25A46 protein. It affects a nucleotide within the consensus splice site of the intron. This variant is present in population databases (rs769567758, ExAC 0.02%). This variant has not been reported in the literature in individuals affected with SLC25A46-related conditions. Variants that disrupt the consensus splice site are a relatively common cause of aberrant splicing (PMID: 17576681, 9536098). Algorithms developed to predict the effect of sequence changes on RNA splicing suggest that this variant may disrupt the consensus splice site. In summary, the available evidence is currently insufficient to determine the role of this variant in disease. Therefore, it has been classified as a Variant of Uncertain Significance.

Ambry Genetics
Classification: Uncertain significance for Inborn genetic diseases. Last evaluated: 2020-04-01. Review status: criteria provided, single submitter. Criteria: Ambry Variant Classification Scheme 2023. Collection method: clinical testing. Allele origin: germline.
Comment: The c.463-3delT intronic variant is located 3 nucleotides upstream from coding exon 5 of the SLC25A46 gene. This variant results from a deletion of one nucleotide at position c.463-3. This nucleotide position is highly conserved in available vertebrate species. In silico splice site analysis for this alteration is inconclusive. Since supporting evidence is limited at this time, the clinical significance of this alteration remains unclear.

Literature cited by the submitters: PubMed 17576681 (cited by Labcorp Genetics (formerly Invitae), Labcorp); PubMed 9536098 (cited by Labcorp Genetics (formerly Invitae), Labcorp).

NM_138773.4(SLC25A46):c.463-3del

Gene: SLC25A46 (solute carrier family 25 member 46; plus strand). Cytogenetic location: 5q22.1.
Variant type: Deletion.
Coding change: c.463-3del on transcript NM_138773.4 (MANE Select); 3 bases into the intron before coding-DNA position 463, one base deleted (T; older notation c.463-3delT).
Molecular consequence: intron variant.
Genome position (GRCh38, 1-based): chr5:110,748,160, T deleted; the last of 3 consecutive T bases (chr5:110,748,158-110,748,160); deleting any one gives the same sequence. VCF-style (leftmost placement, unchanged base first): chr5-110748157-AT-A. GRCh37 (hg19) VCF-style: chr5-110083858-AT-A.
Other names: c.190-3del (NM_001303250.3); c.463-3del (NM_001303249.3); c.463-3delT (NM_138773.2).
Identifiers: ClinVar variation 644523 (VCV000644523.9), dbSNP rs769567758, ClinGen allele CA3364610.